The following is an entry in ClinVar:

NM_018238.4(AGK):c.901G>A (p.Glu301Lys)

Gene: AGK (acylglycerol kinase; plus strand). Cytogenetic location: 7q34.
Variant type: single nucleotide variant.
Coding change: c.901G>A on transcript NM_018238.4 (MANE Select); coding-DNA position 901, G replaced by A.
Protein change: p.Glu301Lys; replaces glutamic acid 301 with lysine.
Molecular consequence: missense variant.
Genome position (GRCh38, 1-based): chr7:141,641,834, G>A. VCF-style: chr7-141641834-G-A. GRCh37 (hg19) VCF-style: chr7-141341634-G-A.
Other names: c.901G>A, p.Glu301Lys (NM_001364948.3); short protein forms E301K.
Identifiers: ClinVar variation 2420315 (VCV002420315.3), dbSNP rs1797297910, ClinGen allele CA369539786.

ClinVar aggregate classification (germline): Uncertain significance (1 of 4 stars; one submission).

Conditions:
Cataract 38. Also called: Cataract 38, autosomal recessive; Cataract, autosomal recessive congenital 5. Identifiers: Orphanet 91492, MedGen C3553494, MONDO:0013859, OMIM 614691.
Sengers syndrome. Also called: MITOCHONDRIAL DNA DEPLETION SYNDROME 10 (CARDIOMYOPATHIC TYPE); Cardiomyopathy and cataract. Identifiers: Orphanet 1369, MedGen C1859317, MONDO:0008922, OMIM 212350.

Submission:

Labcorp Genetics (formerly Invitae), Labcorp
Classification: Uncertain significance for Sengers syndrome; Cataract 38. Last evaluated: 2022-09-07. Review status: criteria provided, single submitter. Criteria: Invitae Variant Classification Sherloc (09022015). Collection method: clinical testing. Allele origin: germline.
Comment: This sequence change replaces glutamic acid, which is acidic and polar, with lysine, which is basic and polar, at codon 301 of the AGK protein (p.Glu301Lys). This variant is not present in population databases (gnomAD no frequency). This variant has not been reported in the literature in individuals affected with AGK-related conditions. Algorithms developed to predict the effect of missense changes on protein structure and function output the following: SIFT: "Tolerated"; PolyPhen-2: "Benign"; Align-GVGD: "Class C0". The lysine amino acid residue is found in multiple mammalian species, which suggests that this missense change does not adversely affect protein function. In summary, the available evidence is currently insufficient to determine the role of this variant in disease. Therefore, it has been classified as a Variant of Uncertain Significance.